The following is an entry in ClinVar:

ClinVar aggregate classification (germline): Uncertain significance (1 of 4 stars; one submission).

gnomAD v4.1: 2 of 1,614,114 alleles (0.00012%); highest among the groups gnomAD compares: Non-Finnish European, 0.00017%; no homozygotes.

Submission:

Labcorp Genetics (formerly Invitae), Labcorp
Classification: Uncertain significance. Last evaluated: 2025-11-25. Review status: criteria provided, single submitter. Criteria: Invitae Variant Classification Sherloc (09022015). Collection method: clinical testing. Allele origin: germline.
Comment: This sequence change replaces histidine, which is basic and polar, with tyrosine, which is neutral and polar, at codon 1974 of the FLNB protein (p.His1974Tyr). This variant is not present in population databases (gnomAD no frequency). This variant has not been reported in the literature in individuals affected with FLNB-related conditions. Invitae Evidence Modeling of protein sequence and biophysical properties (such as structural, functional, and spatial information, amino acid conservation, physicochemical variation, residue mobility, and thermodynamic stability) indicates that this missense variant is not expected to disrupt FLNB protein function with a negative predictive value of 95%. In summary, the available evidence is currently insufficient to determine the role of this variant in disease. Therefore, it has been classified as a Variant of Uncertain Significance.

NM_001457.4(FLNB):c.5920C>T (p.His1974Tyr)

Gene: FLNB (filamin B; plus strand). Cytogenetic location: 3p14.3.
Variant type: single nucleotide variant.
Coding change: c.5920C>T on transcript NM_001457.4 (MANE Select); coding-DNA position 5920, C replaced by T.
Protein change: p.His1974Tyr; replaces histidine 1974 with tyrosine.
Molecular consequence: missense variant.
Genome position (GRCh38, 1-based): chr3:58,148,681, C>T. VCF-style: chr3-58148681-C-T. GRCh37 (hg19) VCF-style: chr3-58134408-C-T.
Other names: c.6013C>T, p.His2005Tyr (NM_001164317.2); c.5887C>T, p.His1963Tyr (NM_001164318.2); c.5848C>T, p.His1950Tyr (NM_001164319.2); short protein forms H1950Y, H1963Y, H1974Y, H2005Y.
Identifiers: ClinVar variation 4801725 (VCV004801725.1).
Genomic context (GRCh38, chr3:58,148,681, plus strand): 5'-ACAAGCCCCAATCTGTGTTCTGGTCCAGGCATCTCCTTCATCCCCCGGGAAGTGGGCGAA[C>T]ATCTGGTCAGCATCAAGAAAAATGGCAACCATGTGGCCAACAGCCCCGTGTCTATCATGG-3'
Protein context (NP_001448.2, residues 1964-1984): ISFIPREVGE[His1974Tyr]LVSIKKNGNH